The following is an entry in ClinVar:

ClinVar aggregate classification (germline): Conflicting classifications of pathogenicity. Review status: criteria provided, conflicting classifications (1 of 4 stars). 3 submissions from 3 submitters: Uncertain significance (2); Benign (1). Last evaluated 2025-11-05.

Conditions:
Familial thoracic aortic aneurysm and aortic dissection (TAAD). Also called: Thoracic aortic aneurysms and dissections. Identifiers: Orphanet 91387, MedGen C4707243, MONDO:0019625.
Melnick-Needles syndrome (MNS). Also called: MELNICK-NEEDLES OSTEODYSPLASTY; OSTEODYSPLASTY OF MELNICK AND NEEDLES; Melnick-Needles Syndrome (FLNA-MNS). Identifiers: Orphanet 2484, MedGen C0025237, MONDO:0010650, OMIM 309350.
Heterotopia, periventricular, X-linked dominant (PVNH1). Also called: PERIVENTRICULAR NODULAR HETEROTOPIA 1; X-linked periventricular heterotopia; HETEROTOPIA, PERIVENTRICULAR, 1; PERIVENTRICULAR NODULAR HETEROTOPIA 4. Identifiers: Orphanet 2149, Orphanet 82004, MedGen C1848213, MONDO:0010233, OMIM 300049.
Oto-palato-digital syndrome, type II (OPD2). Also called: OPD II SYNDROME; Otopalatodigital Syndrome, Type II; FACIOPALATOOSSEOUS SYNDROME; Otopalatodigital Syndrome Type 2 (FLNA-OPD2). Identifiers: Orphanet 669, Orphanet 90652, MedGen C1844696, MONDO:0010571, OMIM 304120.
Frontometaphyseal dysplasia (FMD1). Identifiers: Orphanet 1826, MedGen C0265293, MONDO:0015942.

Allele frequency attached by ClinVar (database versions not stated): gnomAD exomes below 0.00001; ExAC 0.00001; TOPMed 0.00001; gnomAD 0.00005; 1000 Genomes Project 30x 0.00021; 1000 Genomes Project 0.00026.
gnomAD v4.1: 10 of 1,210,274 alleles (0.00083%); highest among the groups gnomAD compares: African/African-American, 0.0087%; no homozygotes.

Submissions (3):

Ambry Genetics
Classification: Uncertain significance for Familial thoracic aortic aneurysm and aortic dissection. Last evaluated: 2025-11-05. Review status: criteria provided, single submitter. Criteria: Ambry Variant Classification Scheme 2023. Collection method: clinical testing. Allele origin: germline.
Comment: The c.6274G>A (p.G2092R) alteration is located in exon 38 (coding exon 37) of the FLNA gene. This alteration results from a G to A substitution at nucleotide position 6274, causing the glycine (G) at amino acid position 2092 to be replaced by an arginine (R). Based on data from gnomAD, the A allele has an overall frequency of 0.001% (1/181643) total alleles studied. The highest observed frequency was 0.008% (1/12392) of African alleles. Based on insufficient or conflicting evidence, the clinical significance of this alteration remains unclear.

Labcorp Genetics (formerly Invitae), Labcorp
Classification: Benign for Oto-palato-digital syndrome, type II; Heterotopia, periventricular, X-linked dominant; Frontometaphyseal dysplasia; Melnick-Needles syndrome. Last evaluated: 2025-10-11. Review status: criteria provided, single submitter. Criteria: Invitae Variant Classification Sherloc (09022015). Collection method: clinical testing. Allele origin: germline.

GeneDx
Classification: Uncertain significance. Last evaluated: 2022-05-13. Review status: criteria provided, single submitter. Criteria: GeneDx Variant Classification Process June 2021. Collection method: clinical testing. Allele origin: germline. Affected: yes.
Comment: In silico analysis supports that this missense variant has a deleterious effect on protein structure/function; Has not been previously published as pathogenic or benign to our knowledge

NM_001110556.2(FLNA):c.6298G>A (p.Gly2100Arg)

Gene: FLNA (filamin A; minus strand). Cytogenetic location: Xq28.
Variant type: single nucleotide variant.
Coding change: c.6298G>A on transcript NM_001110556.2 (MANE Select); coding-DNA position 6298, G replaced by A.
Protein change: p.Gly2100Arg; replaces glycine 2100 with arginine.
Molecular consequence: missense variant.
Genome position (GRCh38, 1-based): chrX:154,352,853, C>T on the plus strand (G>A on the coding strand, the complement: FLNA is on the minus strand). VCF-style: chrX-154352853-C-T. GRCh37 (hg19) VCF-style: chrX-153581221-C-T.
Other names: c.6274G>A, p.Gly2092Arg (NM_001456.4); short protein forms G2092R, G2100R.
Identifiers: ClinVar variation 1723515 (VCV001723515.4), dbSNP rs781785034, ClinGen allele CA10560121.
Genomic context (GRCh38, chrX:154,352,853, plus strand): 5'-ACTTGATGTTGATGATGTAGTTGCCTGGCTCTGTGGGGCAGTAGGTGACCCTGCACGTCC[C>T]GTCCTCCAGGTCCTCTGTGTTGATGTCCACCTTGCTGGGGCCCTCAATGGACAGGCTGAG-3'
Protein context (NP_001104026.1, residues 2090-2110): VDINTEDLED[Gly2100Arg]TCRVTYCPTE